The following is an entry in ClinVar:

ClinVar aggregate classification (germline): Uncertain significance (1 of 4 stars; one submission).

Conditions:
Emery-Dreifuss muscular dystrophy 4, autosomal dominant (EDMD4). Also called: EMERY-DREIFUSS MUSCULAR DYSTROPHY 4 WITH VARIABLE FEATURES. Identifiers: Orphanet 261, MedGen C2751807, MONDO:0013071, OMIM 612998.
Autosomal recessive ataxia, Beauce type. Also called: Spinocerebellar ataxia, autosomal recessive 8; ATAXIA, RECESSIVE, OF BEAUCE; SYNE1-Related Autosomal Recessive Cerebellar Ataxia; SYNE1 Deficiency. Identifiers: Orphanet 88644, MedGen C1853116, MONDO:0012549, OMIM 610743.

Allele frequency attached by ClinVar (database versions not stated): gnomAD 0.00001; TOPMed 0.00001; ExAC 0.00004.
gnomAD v4.1: 40 of 1,614,056 alleles (0.0025%); highest among the groups gnomAD compares: Non-Finnish European, 0.0031%; no homozygotes.

Submission:

Labcorp Genetics (formerly Invitae), Labcorp
Classification: Uncertain significance for Emery-Dreifuss muscular dystrophy 4, autosomal dominant; Autosomal recessive ataxia, Beauce type. Last evaluated: 2025-04-22. Review status: criteria provided, single submitter. Criteria: Invitae Variant Classification Sherloc (09022015). Collection method: clinical testing. Allele origin: germline.
Comment: This sequence change replaces isoleucine, which is neutral and non-polar, with valine, which is neutral and non-polar, at codon 3285 of the SYNE1 protein (p.Ile3285Val). This variant is present in population databases (rs774469372, gnomAD 0.005%). This variant has not been reported in the literature in individuals affected with SYNE1-related conditions. ClinVar contains an entry for this variant (Variation ID: 837808). An algorithm developed to predict the effect of missense changes on protein structure and function outputs the following: PolyPhen-2: "Benign". The valine amino acid residue is found in multiple mammalian species, which suggests that this missense change does not adversely affect protein function. In summary, the available evidence is currently insufficient to determine the role of this variant in disease. Therefore, it has been classified as a Variant of Uncertain Significance.

NM_182961.4(SYNE1):c.9832A>G (p.Ile3278Val)

Gene: SYNE1 (spectrin repeat containing nuclear envelope protein 1; minus strand). Cytogenetic location: 6q25.2.
Variant type: single nucleotide variant.
Coding change: c.9832A>G on transcript NM_182961.4 (MANE Select); coding-DNA position 9832, A replaced by G.
Protein change: p.Ile3278Val; replaces isoleucine 3278 with valine.
Molecular consequence: missense variant.
Genome position (GRCh38, 1-based): chr6:152,367,358, T>C on the plus strand (A>G on the coding strand, the complement: SYNE1 is on the minus strand). VCF-style: chr6-152367358-T-C. GRCh37 (hg19) VCF-style: chr6-152688493-T-C.
Other names: c.9853A>G, p.Ile3285Val (NM_033071.5); short protein forms I3278V, I3285V.
Identifiers: ClinVar variation 837808 (VCV000837808.6), dbSNP rs774469372, ClinGen allele CA4057175.